The following is an entry in ClinVar:

NM_030665.4(RAI1):c.5653G>A (p.Asp1885Asn)

Gene: RAI1 (retinoic acid induced 1; plus strand). Cytogenetic location: 17p11.2.
Variant type: single nucleotide variant.
Coding change: c.5653G>A on transcript NM_030665.4 (MANE Select); coding-DNA position 5653, G replaced by A.
Protein change: p.Asp1885Asn; replaces aspartic acid 1885 with asparagine.
Molecular consequence: missense variant.
Genome position (GRCh38, 1-based): chr17:17,803,843, G>A. VCF-style: chr17-17803843-G-A. GRCh37 (hg19) VCF-style: chr17-17707157-G-A.
Other names: short protein forms D1885N.
Identifiers: ClinVar variation 436504 (VCV000436504.24), dbSNP rs147844401, ClinGen allele CA8419236.
Genomic context (GRCh38, chr17:17,803,843, plus strand): 5'-GCCACCATTGGGTGCTGCCACAAAGGATGCCTCCACACCTACCACTACCCGTGTGCCAGC[G>A]ATGCAGGTACGAGCCCGCCCAGGAACAGGAGGGCATTGGAGCCCATCCAAGCAGTCCAGG-3'
Protein context (NP_109590.3, residues 1875-1895): LHTYHYPCAS[Asp1885Asn]AGCIFIEENF

ClinVar aggregate classification (germline): Conflicting classifications of pathogenicity. Review status: criteria provided, conflicting classifications (1 of 4 stars). 6 submissions from 6 submitters: Uncertain significance (2); Benign (2); Likely benign (1). 1 of the submissions does not count toward it. Last evaluated 2026-01-19.

Conditions:
Smith-Magenis syndrome (SMS). Also called: CHROMOSOME 17p11.2 DELETION SYNDROME. Identifiers: Orphanet 819, MedGen C0795864, MONDO:0008434, OMIM 182290.
RAI1-related disorder. Also called: RAI1-related condition.
Inborn genetic diseases. Identifiers: MedGen C0950123, MeSH D030342.

Allele frequency attached by ClinVar (database versions not stated): gnomAD 0.00014 and 0.00015; ExAC 0.00008; gnomAD exomes 0.00010 and 0.00016; ESP Exome Variant Server 0.00015; TOPMed 0.00019.
gnomAD v4.1: 254 of 1,613,162 alleles (0.016%); highest among the groups gnomAD compares: Admixed American, 0.02%; no homozygotes.

Submissions (6):

Labcorp Genetics (formerly Invitae), Labcorp
Classification: Benign. Last evaluated: 2026-01-19. Review status: criteria provided, single submitter. Criteria: Invitae Variant Classification Sherloc (09022015). Collection method: clinical testing. Allele origin: germline.

GeneDx
Classification: Likely benign. Last evaluated: 2021-03-01. Review status: criteria provided, single submitter. Criteria: GeneDx Variant Classification Process June 2021. Collection method: clinical testing. Allele origin: germline. Affected: yes.
Comment: This variant is associated with the following publications: (PMID: 24205348, 21857958)

Ambry Genetics
Classification: Benign for Inborn genetic diseases. Last evaluated: 2019-02-09. Review status: criteria provided, single submitter. Criteria: Ambry Variant Classification Scheme 2023. Collection method: clinical testing. Allele origin: germline.

Fulgent Genetics
Classification: Uncertain significance for Smith-Magenis syndrome. Last evaluated: 2018-10-31. Review status: criteria provided, single submitter. Criteria: ACMG Guidelines, 2015. Collection method: clinical testing. Allele origin: unknown.

Genetic Services Laboratory, University of Chicago
Classification: Uncertain significance. Last evaluated: 2016-10-06. Review status: criteria provided, single submitter. Criteria: ACMG Guidelines, 2015. Collection method: clinical testing. Allele origin: germline. Affected: no.

PreventionGenetics, part of Exact Sciences
Classification: Likely benign for RAI1-related condition. Last evaluated: 2023-09-05. Review status: no assertion criteria provided. Collection method: clinical testing. Allele origin: germline. Not counted in ClinVar's aggregate classification.
Comment: This variant is classified as likely benign based on ACMG/AMP sequence variant interpretation guidelines (Richards et al. 2015 PMID: 25741868, with internal and published modifications).

Literature cited by the submitters: PubMed 21857958 (cited by Ambry Genetics).